The following is an entry in ClinVar:

NM_000746.6(CHRNA7):c.3G>A (p.Met1Ile)

Gene: CHRNA7 (cholinergic receptor nicotinic alpha 7 subunit). Cytogenetic location: 15q13.3.
Variant type: single nucleotide variant.
Coding change: c.3G>A on transcript NM_000746.6 (MANE Select); coding-DNA position 3, G replaced by A.
Protein change: p.Met1Ile; changes the start codon (methionine 1).
Molecular consequence: missense variant, initiator codon variant. On other transcripts: non-coding transcript variant (1).
Genome position (GRCh38, 1-based): chr15:32,030,597, G>A. VCF-style: chr15-32030597-G-A. GRCh37 (hg19) VCF-style: chr15-32322800-G-A.
Other names: c.3G>A, p.Met1Ile (NM_001190455.3); short protein forms M1I.
Identifiers: ClinVar variation 2196382 (VCV002196382.5), dbSNP rs200853972, ClinGen allele CA7454041.

ClinVar aggregate classification (germline): Uncertain significance (1 of 4 stars; one submission).

Allele frequency attached by ClinVar (database versions not stated): gnomAD 0.00001; TOPMed 0.00002.

Submission:

Labcorp Genetics (formerly Invitae), Labcorp
Classification: Uncertain significance. Last evaluated: 2022-09-03. Review status: criteria provided, single submitter. Criteria: Invitae Variant Classification Sherloc (09022015). Collection method: clinical testing. Allele origin: germline.
Comment: The frequency data for this variant in the population databases is considered unreliable, as metrics indicate poor data quality at this position in the gnomAD database. This sequence change affects the initiator methionine of the CHRNA7 mRNA. The next in-frame methionine is located at codon 63. This variant has not been reported in the literature in individuals affected with CHRNA7-related conditions. In summary, the available evidence is currently insufficient to determine the role of this variant in disease. Therefore, it has been classified as a Variant of Uncertain Significance. Experimental studies and prediction algorithms are not available or were not evaluated, and the functional significance of this variant is currently unknown.